The following is an entry in ClinVar:

ClinVar aggregate classification (germline): Uncertain significance (1 of 4 stars; one submission).

Conditions:
Hereditary spastic paraplegia. Also called: Familial spastic paraparesis. Identifiers: Orphanet 685, MedGen C0037773, MONDO:0019064. Disease mechanism: loss of function.

gnomAD v4.1: 2 of 1,613,980 alleles (0.00012%); highest among the groups gnomAD compares: Admixed American, 0.0017%; no homozygotes.

Submission:

Labcorp Genetics (formerly Invitae), Labcorp
Classification: Uncertain significance for Hereditary spastic paraplegia. Last evaluated: 2023-11-19. Review status: criteria provided, single submitter. Criteria: Invitae Variant Classification Sherloc (09022015). Collection method: clinical testing. Allele origin: germline.
Comment: This sequence change replaces proline, which is neutral and non-polar, with glutamine, which is neutral and polar, at codon 383 of the USP8 protein (p.Pro383Gln). The frequency data for this variant in the population databases is considered unreliable, as metrics indicate poor data quality at this position in the gnomAD database. This variant has not been reported in the literature in individuals affected with USP8-related conditions. An algorithm developed to predict the effect of missense changes on protein structure and function (PolyPhen-2) suggests that this variant is likely to be tolerated. In summary, the available evidence is currently insufficient to determine the role of this variant in disease. Therefore, it has been classified as a Variant of Uncertain Significance.

NM_005154.5(USP8):c.1148C>A (p.Pro383Gln)

Gene: USP8 (ubiquitin specific peptidase 8; plus strand). Cytogenetic location: 15q21.2.
Variant type: single nucleotide variant.
Coding change: c.1148C>A on transcript NM_005154.5 (MANE Select); coding-DNA position 1148, C replaced by A.
Protein change: p.Pro383Gln; replaces proline 383 with glutamine.
Molecular consequence: missense variant.
Genome position (GRCh38, 1-based): chr15:50,477,429, C>A. VCF-style: chr15-50477429-C-A. GRCh37 (hg19) VCF-style: chr15-50769626-C-A.
Other names: c.1148C>A, p.Pro383Gln (NM_001128610.3); c.917C>A, p.Pro306Gln (NM_001283049.2); short protein forms P306Q, P383Q.
Identifiers: ClinVar variation 3014454 (VCV003014454.3), dbSNP rs755896571, ClinGen allele CA392390403.